The following is an entry in ClinVar:

ClinVar aggregate classification (germline): Pathogenic (1 of 4 stars; one submission).

Allele frequency attached by ClinVar (database versions not stated): gnomAD exomes below 0.00001.
gnomAD v4.1: 1 of 1,603,596 alleles (0.000062%); no homozygotes.

Submission:

GeneDx
Classification: Pathogenic. Last evaluated: 2022-09-15. Review status: criteria provided, single submitter. Criteria: GeneDx Variant Classification Process June 2021. Collection method: clinical testing. Allele origin: germline. Affected: yes.
Comment: Identified in patients with choreoathetosis, muscular hypotonia, pulmonary dysfunction, and thyroid involvement, including three affected individuals from a single family (Krude et al., 2002; Thorwarth et al., 2014); also referred to as C1302A and p.Cys87X; Nonsense variant predicted to result in protein truncation or nonsense mediated decay in a gene for which loss of function is a known mechanism of disease; Not observed at significant frequency in large population cohorts (gnomAD); This variant is associated with the following publications: (PMID: 25525159, 24714694, 11854319)

NM_001079668.3(NKX2-1):c.351C>A (p.Cys117Ter)

Genes: NKX2-1 (NK2 homeobox 1; minus strand), SFTA3 (surfactant associated 3; minus strand). Cytogenetic location: 14q13.3.
Variant type: single nucleotide variant.
Coding change: c.351C>A on transcript NM_001079668.3 (MANE Select); coding-DNA position 351, C replaced by A.
Protein change: p.Cys117Ter; replaces cysteine 117 with a stop codon.
Molecular consequence: nonsense.
Genome position (GRCh38, 1-based): chr14:36,519,097, G>T on the plus strand (C>A on the coding strand, the complement: NKX2-1 is on the minus strand). VCF-style: chr14-36519097-G-T. GRCh37 (hg19) VCF-style: chr14-36988302-G-T.
Other names: c.261C>A, p.Cys87Ter (NM_003317.4); short protein forms C117*, C87*.
Identifiers: ClinVar variation 2444747 (VCV002444747.1), dbSNP rs2139411763, ClinGen allele CA389460704.
Genomic context (GRCh38, chr14:36,519,097, plus strand): 5'-GCTGTTCCTCATGGTGTCCTGGTACGGCGGCAGCTCGCTCATGTTGCCCAGGTTGCCGTT[G>T]CAGTAGCCCCCCACGGCGGAGTGCGAGAGCTGGGGCACCCCCGCCGCCGTCATGTGGTAG-3'